The following is an entry in ClinVar:

ClinVar aggregate classification (germline): Uncertain significance (1 of 4 stars; one submission).

Conditions:
Glycogen storage disease due to muscle beta-enolase deficiency (GSD13). Also called: ENOLASE 3 DEFICIENCY; ENOLASE-BETA DEFICIENCY; GSD XIII; Glycogen Storage Disease Type XIII. Identifiers: Orphanet 99849, MedGen C2752027, MONDO:0013046, OMIM 612932.

Submission:

Labcorp Genetics (formerly Invitae), Labcorp
Classification: Uncertain significance for Glycogen storage disease due to muscle beta-enolase deficiency. Last evaluated: 2025-10-02. Review status: criteria provided, single submitter. Criteria: Invitae Variant Classification Sherloc (09022015). Collection method: clinical testing. Allele origin: germline.
Comment: This sequence change replaces alanine, which is neutral and non-polar, with serine, which is neutral and polar, at codon 360 of the ENO3 protein (p.Ala360Ser). This variant is not present in population databases (gnomAD no frequency). This variant has not been reported in the literature in individuals affected with ENO3-related conditions. Invitae Evidence Modeling of protein sequence and biophysical properties (such as structural, functional, and spatial information, amino acid conservation, physicochemical variation, residue mobility, and thermodynamic stability) indicates that this missense variant is not expected to disrupt ENO3 protein function with a negative predictive value of 80%. In summary, the available evidence is currently insufficient to determine the role of this variant in disease. Therefore, it has been classified as a Variant of Uncertain Significance.

NM_053013.4(ENO3):c.1078G>T (p.Ala360Ser)

Gene: ENO3 (enolase 3; plus strand). Cytogenetic location: 17p13.2.
Variant type: single nucleotide variant.
Coding change: c.1078G>T on transcript NM_053013.4 (MANE Select); coding-DNA position 1078, G replaced by T.
Protein change: p.Ala360Ser; replaces alanine 360 with serine.
Molecular consequence: missense variant.
Genome position (GRCh38, 1-based): chr17:4,956,583, G>T. VCF-style: chr17-4956583-G-T. GRCh37 (hg19) VCF-style: chr17-4859878-G-T.
Other names: c.949G>T, p.Ala317Ser (NM_001193503.2); c.1078G>T, p.Ala360Ser (NM_001374523.1, NM_001976.5); c.1105G>T, p.Ala369Ser (NM_001374524.1); short protein forms A360S, A317S, A369S.
Identifiers: ClinVar variation 4767331 (VCV004767331.1).